The following is an entry in ClinVar:

ClinVar aggregate classification (germline): Uncertain significance. Review status: criteria provided, single submitter (1 of 4 stars). 2 submissions from 2 submitters: Uncertain significance (1). 1 of the submissions does not count toward it. Last evaluated 2024-05-16.

Conditions:
CDC5L-related disorder. Also called: CDC5L-related condition.

gnomAD v4.1: 42 of 1,574,316 alleles (0.0027%); highest among the groups gnomAD compares: Middle Eastern, 0.017%; no homozygotes.

Submissions (2):

Ambry Genetics
Classification: Uncertain significance. Last evaluated: 2024-05-16. Review status: criteria provided, single submitter. Criteria: Ambry Variant Classification Scheme 2023. Collection method: clinical testing. Allele origin: germline.

PreventionGenetics, part of Exact Sciences
Classification: Uncertain significance for CDC5L-related condition. Last evaluated: 2024-09-25. Review status: no assertion criteria provided. Collection method: clinical testing. Allele origin: germline. Not counted in ClinVar's aggregate classification.
Comment: The CDC5L c.1688C>T variant is predicted to result in the amino acid substitution p.Pro563Leu. To our knowledge, this variant has not been reported in the literature. This variant is reported in 0.011% of alleles in individuals of European (non-Finnish) descent in gnomAD. At this time, the clinical significance of this variant is uncertain due to the absence of conclusive functional and genetic evidence.

NM_001253.4(CDC5L):c.1688C>T (p.Pro563Leu)

Gene: CDC5L (cell division cycle 5 like; plus strand). Cytogenetic location: 6p21.1.
Variant type: single nucleotide variant.
Coding change: c.1688C>T on transcript NM_001253.4 (MANE Select); coding-DNA position 1688, C replaced by T.
Protein change: p.Pro563Leu; replaces proline 563 with leucine.
Molecular consequence: missense variant.
Genome position (GRCh38, 1-based): chr6:44,426,519, C>T. VCF-style: chr6-44426519-C-T. GRCh37 (hg19) VCF-style: chr6-44394256-C-T.
Other names: c.1688C>T (NM_001253.3); short protein forms P563L.
Identifiers: ClinVar variation 3265030 (VCV003265030.2).